The following is an entry in ClinVar:

ClinVar aggregate classification (germline): Conflicting classifications of pathogenicity. Review status: criteria provided, conflicting classifications (1 of 4 stars). 5 submissions from 5 submitters: Uncertain significance (3); Likely benign (1). 1 of the submissions does not count toward it. Last evaluated 2025-09-02.

Conditions:
CDKN1B-related disorder. Also called: CDKN1B-related condition.
Hereditary cancer-predisposing syndrome. Also called: Hereditary neoplastic syndrome; Neoplastic Syndromes, Hereditary; Tumor predisposition; Hereditary Cancer Syndrome. Identifiers: Orphanet 140162, MedGen C0027672, MeSH D009386, MONDO:0015356.
Multiple endocrine neoplasia type 4. Also called: MULTIPLE ENDOCRINE NEOPLASIA, TYPE IV. Identifiers: Orphanet 276152, MedGen C1970712, MONDO:0012552, OMIM 610755.

Allele frequency attached by ClinVar (database versions not stated): ExAC 0.00001; gnomAD exomes 0.00001.

Submissions (5):

Labcorp Genetics (formerly Invitae), Labcorp
Classification: Uncertain significance for Multiple endocrine neoplasia type 4. Last evaluated: 2025-09-02. Review status: criteria provided, single submitter. Criteria: Invitae Variant Classification Sherloc (09022015). Collection method: clinical testing. Allele origin: germline.
Comment: This sequence change affects the initiator codon of the CDKN1B mRNA. This change may impact translation initiation or efficiency. The next in-frame methionine is located at codon 16. This variant is present in population databases (rs756190836, gnomAD 0.003%). Disruption of the initiator codon has been observed in individual(s) with clear cell kidney cancer (PMID: 29625052). ClinVar contains an entry for this variant (Variation ID: 469024). Experimental studies and prediction algorithms are not available or were not evaluated, and the functional significance of this variant is currently unknown. In summary, the available evidence is currently insufficient to determine the role of this variant in disease. Therefore, it has been classified as a Variant of Uncertain Significance.

St. Jude Molecular Pathology, St. Jude Children's Research Hospital
Classification: Uncertain significance for Multiple endocrine neoplasia type 4. Last evaluated: 2024-09-05. Review status: criteria provided, single submitter. Criteria: St. Jude Assertion Criteria 2020. Collection method: clinical testing. Allele origin: germline.
Comment: The CDKN1B c.3G>A (p.Met1?) change results in a G>A substitution at the start codon of exon 1 in the CDKN1B gene. This mutation disrupts the initiation codon and occurs in a gene where loss-of-function is a known disease mechanism. However, a downstream methionine is present, which may serve as an alternative initiation site. This variant has a maximum subpopulation frequency of 0.0058% in gnomAD v2.1.1 . It has been reported in a single individual with kidney renal papillary cell carcinoma (PMID: 29625052), but it has not been reported in individuals diagnosed with multiple endocrine neoplasia type 4. In summary, the evidence currently available is insufficient to determine the clinical significance of this variant. It has therefore been classified as of uncertain significance.

GeneDx
Classification: Uncertain significance. Last evaluated: 2023-05-15. Review status: criteria provided, single submitter. Criteria: GeneDx Variant Classification Process June 2021. Collection method: clinical testing. Allele origin: germline. Affected: yes.
Comment: Not observed at significant frequency in large population cohorts (gnomAD); Initiation codon variant in a gene for which loss-of-function is a known mechanism of disease, however a downstream in-frame Methionine residue is present which, if utilized, may result in a functional protein; Observed in an individual with clear cell renal carcinoma (Huang et al., 2018); This variant is associated with the following publications: (PMID: 29625052)

Ambry Genetics
Classification: Likely benign for Hereditary cancer-predisposing syndrome. Last evaluated: 2022-08-01. Review status: criteria provided, single submitter. Criteria: Ambry Variant Classification Scheme 2023. Collection method: clinical testing. Allele origin: germline.

PreventionGenetics, part of Exact Sciences
Classification: Uncertain significance for CDKN1B-related condition. Last evaluated: 2024-08-08. Review status: no assertion criteria provided. Collection method: clinical testing. Allele origin: germline. Not counted in ClinVar's aggregate classification.
Comment: The CDKN1B c.3G>A variant is predicted to disrupt the translation initiation site (Start loss). This variant affects the starting methionine residue and has been reported in an individual with kidney clear cell renal carcinoma (Huang et al. 2018. PubMed ID: 29625052. Table S2A; Yang et al. 2022. PubMed ID: 36451132. Table S2A). Loss-of-function variants have been reported upstream of the next putative in-frame start codon (for example, ClinVar IDs: 2707728, 1072930, 633662, 2576587, 1421490). This variant is reported in 0.0058% of alleles in individuals of Latino descent in gnomAD and has conflicting interpretations regarding its pathogenicity in ClinVar, ranging from likely benign to uncertain. Although we suspect that this variant may be pathogenic, at this time, the clinical significance of this variant is uncertain due to the absence of conclusive functional and genetic evidence.

Literature cited by the submitters: PubMed 29625052 (cited by Labcorp Genetics (formerly Invitae), Labcorp and Ambry Genetics).

NM_004064.5(CDKN1B):c.3G>A (p.Met1Ile)

Gene: CDKN1B (cyclin dependent kinase inhibitor 1B; plus strand). Cytogenetic location: 12p13.1.
Variant type: single nucleotide variant.
Coding change: c.3G>A on transcript NM_004064.5 (MANE Select); coding-DNA position 3, G replaced by A.
Protein change: p.Met1Ile; changes the start codon (methionine 1).
Molecular consequence: missense variant, initiator codon variant.
Genome position (GRCh38, 1-based): chr12:12,717,842, G>A. VCF-style: chr12-12717842-G-A. GRCh37 (hg19) VCF-style: chr12-12870776-G-A.
Other names: short protein forms M1I.
Identifiers: ClinVar variation 469024 (VCV000469024.14), dbSNP rs756190836, ClinGen allele CA6457360.